The following is an entry in ClinVar:

ClinVar aggregate classification (germline): Benign. Review status: criteria provided, multiple submitters, no conflicts (2 of 4 stars). 8 submissions from 8 submitters: Benign (5). 3 of the submissions do not count toward it. Last evaluated 2026-05-11.

Conditions:
IGF1R-related disorder. Also called: IGF1R-related condition.
Growth delay due to insulin-like growth factor I resistance. Also called: Somatomedin end-organ insensitivity to; Somatomedin-c resistance to; IGF-1 resistance; IGF-I RESISTANCE; Insulin-Like Growth Factor I Resistance. Identifiers: Orphanet 73273, MedGen C1849157, MONDO:0010038, OMIM 270450.

Allele frequency attached by ClinVar (database versions not stated): 1000 Genomes Project 30x 0.01202; 1000 Genomes Project 0.01298; TOPMed 0.01525; gnomAD 0.01591 and 0.01664; ESP Exome Variant Server 0.01848.
gnomAD v4.1: 35,530 of 1,604,766 alleles (2.2%); highest among the groups gnomAD compares: South Asian, 4.8%; 555 homozygotes.

Submissions (8):

Women's Health and Genetics/Laboratory Corporation of America, LabCorp
Classification: Benign. Last evaluated: 2026-05-11. Review status: criteria provided, single submitter. Criteria: LabCorp Variant Classification Summary - May 2015. Collection method: clinical testing. Allele origin: germline.

Labcorp Genetics (formerly Invitae), Labcorp
Classification: Benign. Last evaluated: 2026-02-02. Review status: criteria provided, single submitter. Criteria: Invitae Variant Classification Sherloc (09022015). Collection method: clinical testing. Allele origin: germline.

Blueprint Genetics
Classification: Benign. Last evaluated: 2024-11-27. Review status: criteria provided, single submitter. Criteria: ACMG Guidelines, 2015. Collection method: clinical testing. Allele origin: germline.

Illumina Laboratory Services, Illumina
Classification: Benign for Growth delay due to insulin-like growth factor I resistance. Last evaluated: 2018-01-13. Review status: criteria provided, single submitter. Criteria: ICSL Variant Classification Criteria 13 December 2019. Collection method: clinical testing. Allele origin: germline.
Comment: This variant was observed in the ICSL laboratory as part of a predisposition screen in an ostensibly healthy population. It had not been previously curated by ICSL or reported in the Human Gene Mutation Database (HGMD: prior to June 1st, 2018), and was therefore a candidate for classification through an automated scoring system. Utilizing variant allele frequency, disease prevalence and penetrance estimates, and inheritance mode, an automated score was calculated to assess if this variant is too frequent to cause the disease. Based on the score and internal cut-off values, a variant classified as benign is not then subjected to further curation. The score for this variant resulted in a classification of benign for this disease.

Breakthrough Genomics
Classification: Benign. Review status: criteria provided, single submitter. Criteria: ACMG Guidelines, 2015. Collection method: not provided. Allele origin: germline. Inheritance: Autosomal dominant inheritance. Affected: yes.

PreventionGenetics, part of Exact Sciences
Classification: Benign for IGF1R-related condition. Last evaluated: 2019-07-08. Review status: no assertion criteria provided. Collection method: clinical testing. Allele origin: germline. Not counted in ClinVar's aggregate classification.
Comment: This variant is classified as benign based on ACMG/AMP sequence variant interpretation guidelines (Richards et al. 2015 PMID: 25741868, with internal and published modifications).

Clinical Genetics DNA and cytogenetics Diagnostics Lab, Erasmus MC, Erasmus Medical Center
Classification: Benign. Review status: no assertion criteria provided. Collection method: clinical testing. Allele origin: germline. Affected: yes. Study: VKGL Data-share Consensus. Not counted in ClinVar's aggregate classification.

Laboratory of Diagnostic Genome Analysis, Leiden University Medical Center (LUMC)
Classification: Benign. Review status: no assertion criteria provided. Collection method: clinical testing. Allele origin: germline. Affected: yes. Study: VKGL Data-share Consensus. Not counted in ClinVar's aggregate classification.

NM_000875.5(IGF1R):c.903C>A (p.Gly301=)

Gene: IGF1R (insulin like growth factor 1 receptor; plus strand). Cytogenetic location: 15q26.3.
Variant type: single nucleotide variant.
Coding change: c.903C>A on transcript NM_000875.5 (MANE Select); coding-DNA position 903, C replaced by A.
Protein change: p.Gly301=; no amino-acid change (glycine 301 retained).
Molecular consequence: synonymous variant.
Genome position (GRCh38, 1-based): chr15:98,891,587, C>A. VCF-style: chr15-98891587-C-A. GRCh37 (hg19) VCF-style: chr15-99434816-C-A.
Other names: c.903C>A, p.Gly301= (NM_001291858.2); c.903C>A (NM_000875.4).
Identifiers: ClinVar variation 317444 (VCV000317444.19), dbSNP rs2229764, ClinGen allele CA7751940.
Genomic context (GRCh38, chr15:98,891,587, plus strand): 5'-CTGCGCCAACATCCTCAGCGCCGAGAGCAGCGACTCCGAGGGGTTTGTGATCCACGACGG[C>A]GAGTGCATGCAGGAGTGCCCCTCGGGCTTCATCCGCAACGGCAGCCAGAGGTCAGTCGCG-3'
Protein context (NP_000866.1, residues 291-311): SDSEGFVIHD[Gly301=]ECMQECPSGF